The following is an entry in ClinVar:

ClinVar aggregate classification (germline): Uncertain significance. Review status: criteria provided, multiple submitters, no conflicts (2 of 4 stars). 2 submissions from 2 submitters: Uncertain significance (2). Last evaluated 2024-11-12.

gnomAD v4.1: 2 of 1,604,616 alleles (0.00012%); highest among the groups gnomAD compares: Non-Finnish European, 0.00017%; no homozygotes.

Submissions (2):

GeneDx
Classification: Uncertain significance. Last evaluated: 2024-11-12. Review status: criteria provided, single submitter. Criteria: GeneDx Variant Classification Process June 2021. Collection method: clinical testing. Allele origin: germline. Affected: yes.
Comment: Not observed at significant frequency in large population cohorts (gnomAD); In silico analysis supports a deleterious effect on splicing; Has not been previously published as pathogenic or benign to our knowledge

Labcorp Genetics (formerly Invitae), Labcorp
Classification: Uncertain significance. Last evaluated: 2023-12-21. Review status: criteria provided, single submitter. Criteria: Invitae Variant Classification Sherloc (09022015). Collection method: clinical testing. Allele origin: germline.
Comment: This sequence change falls in intron 22 of the SLC12A3 gene. It does not directly change the encoded amino acid sequence of the SLC12A3 protein. This variant is not present in population databases (gnomAD no frequency). This variant has not been reported in the literature in individuals affected with SLC12A3-related conditions. ClinVar contains an entry for this variant (Variation ID: 1921300). Algorithms developed to predict the effect of sequence changes on RNA splicing suggest that this variant may disrupt the consensus splice site. In summary, the available evidence is currently insufficient to determine the role of this variant in disease. Therefore, it has been classified as a Variant of Uncertain Significance.

NM_001126108.2(SLC12A3):c.2634-12T>A

Gene: SLC12A3 (solute carrier family 12 member 3; plus strand). Cytogenetic location: 16q13.
Variant type: single nucleotide variant.
Coding change: c.2634-12T>A on transcript NM_001126108.2 (MANE Select); 12 bases into the intron before coding-DNA position 2634, T replaced by A.
Molecular consequence: intron variant.
Genome position (GRCh38, 1-based): chr16:56,899,518, T>A. VCF-style: chr16-56899518-T-A. GRCh37 (hg19) VCF-style: chr16-56933430-T-A.
Other names: c.2661-12T>A (NM_000339.3); c.2658-12T>A (NM_001126107.2).
Identifiers: ClinVar variation 1921300 (VCV001921300.6), dbSNP rs1185521840, ClinGen allele CA2580091659.